The following is an entry in ClinVar:

ClinVar aggregate classification (germline): Pathogenic (1 of 4 stars; one submission).

Conditions:
Meckel-Gruber syndrome. Also called: DYSENCEPHALIA SPLANCHNOCYSTICA; GRUBER SYNDROME; Dysencephalia splachnocystica. Identifiers: Orphanet 564, MedGen C0265215, MONDO:0018921.
Joubert syndrome. Also called: CEREBELLOPARENCHYMAL DISORDER IV; JOUBERT-BOLTSHAUSER SYNDROME; Familial aplasia of the vermis. Identifiers: Orphanet 475, MedGen C5979921, MONDO:0018772.

Submission:

Labcorp Genetics (formerly Invitae), Labcorp
Classification: Pathogenic for Joubert syndrome; Meckel-Gruber syndrome. Last evaluated: 2025-04-08. Review status: criteria provided, single submitter. Criteria: Invitae Variant Classification Sherloc (09022015). Collection method: clinical testing. Allele origin: germline.
Comment: This sequence change creates a premature translational stop signal (p.Arg417Ilefs*9) in the TCTN2 gene. It is expected to result in an absent or disrupted protein product. Loss-of-function variants in TCTN2 are known to be pathogenic (PMID: 21565611). This variant is not present in population databases (gnomAD no frequency). This variant has not been reported in the literature in individuals affected with TCTN2-related conditions. Algorithms developed to predict the effect of sequence changes on RNA splicing suggest that this variant may disrupt the consensus splice site. For these reasons, this variant has been classified as Pathogenic.

Literature cited by the submitters: PubMed 21565611.

NM_024809.5(TCTN2):c.1250_1251del (p.Arg417fs)

Gene: TCTN2 (tectonic family member 2; plus strand). Cytogenetic location: 12q24.31.
Variant type: Microsatellite.
Coding change: c.1250_1251del on transcript NM_024809.5 (MANE Select); coding-DNA positions 1250 to 1251, 2 bases deleted (GA; older notation c.1250_1251delGA).
Protein change: p.Arg417fs; shifts the reading frame from arginine 417.
Molecular consequence: frameshift variant.
Genome position (GRCh38, 1-based): chr12:123,695,235-123,695,236, GA deleted; deleting any 2 consecutive bases within chr12:123,695,232-123,695,236 gives the same sequence; the c. name uses the placement nearest the transcript's 3' end. VCF-style (leftmost placement, unchanged base first): chr12-123695231-CAG-C. GRCh37 (hg19) VCF-style: chr12-124179778-CAG-C.
Other names: c.1247_1248del, p.Arg416fs (NM_001143850.3); short protein forms R417fs, R416fs.
Identifiers: ClinVar variation 1451983 (VCV001451983.6), dbSNP rs2135847212, ClinGen allele CA2580614595.